The following is an entry in ClinVar:

ClinVar aggregate classification (germline): Likely benign. Review status: criteria provided, multiple submitters, no conflicts (2 of 4 stars). 2 submissions from 2 submitters: Likely benign (2). Last evaluated 2025-03-05.

Conditions:
LAMA2-related muscular dystrophy (LAMA2-RD). Also called: Laminin alpha 2-related dystrophy. Identifiers: MedGen C5679788, MONDO:0100228.

Allele frequency attached by ClinVar (database versions not stated): gnomAD exomes below 0.00001 and 0.00001; ExAC 0.00001; gnomAD 0.00001; TOPMed 0.00003; ESP Exome Variant Server 0.00008.
gnomAD v4.1: 9 of 1,516,844 alleles (0.00059%); highest among the groups gnomAD compares: African/African-American, 0.0027%; no homozygotes.

Submissions (2):

Labcorp Genetics (formerly Invitae), Labcorp
Classification: Likely benign for LAMA2-related muscular dystrophy. Last evaluated: 2025-03-05. Review status: criteria provided, single submitter. Criteria: Invitae Variant Classification Sherloc (09022015). Collection method: clinical testing. Allele origin: germline.

GeneDx
Classification: Likely benign. Last evaluated: 2017-05-19. Review status: criteria provided, single submitter. Criteria: GeneDx Variant Classification (06012015). Collection method: clinical testing. Allele origin: germline. Affected: yes.
Comment: This variant is considered likely benign or benign based on one or more of the following criteria: it is a conservative change, it occurs at a poorly conserved position in the protein, it is predicted to be benign by multiple in silico algorithms, and/or has population frequency not consistent with disease.

NM_000426.4(LAMA2):c.2537+12C>T

Gene: LAMA2 (laminin subunit alpha 2; plus strand). Cytogenetic location: 6q22.33.
Variant type: single nucleotide variant.
Coding change: c.2537+12C>T on transcript NM_000426.4 (MANE Select); 12 bases into the intron after coding-DNA position 2537, C replaced by T.
Molecular consequence: intron variant.
Genome position (GRCh38, 1-based): chr6:129,280,159, C>T. VCF-style: chr6-129280159-C-T. GRCh37 (hg19) VCF-style: chr6-129601304-C-T.
Other names: c.2537+12C>T (NM_001079823.2).
Identifiers: ClinVar variation 509523 (VCV000509523.4), dbSNP rs376097319, ClinGen allele CA3992980.